The following is an entry in ClinVar:

NM_147127.5(EVC2):c.139C>A (p.Pro47Thr)

Gene: EVC2 (EvC ciliary complex subunit 2; minus strand). Cytogenetic location: 4p16.2.
Variant type: single nucleotide variant.
Coding change: c.139C>A on transcript NM_147127.5 (MANE Select); coding-DNA position 139, C replaced by A.
Protein change: p.Pro47Thr; replaces proline 47 with threonine.
Molecular consequence: missense variant. On other transcripts: intron variant (1).
Genome position (GRCh38, 1-based): chr4:5,708,375, G>T on the plus strand (C>A on the coding strand, the complement: EVC2 is on the minus strand). VCF-style: chr4-5708375-G-T. GRCh37 (hg19) VCF-style: chr4-5710102-G-T.
Other names: c.139C>A (NM_147127.4); c.-13+454C>A (NM_001166136.2); short protein forms P47T.
Identifiers: ClinVar variation 2040565 (VCV002040565.3), dbSNP rs376923652, ClinGen allele CA91731532.
Genomic context (GRCh38, chr4:5,708,375, plus strand): 5'-TCCGCCCCGGAGGGATCCTCAGGCCGGGCCCAGACCTAGGAGCCACCTGGGGATCCCGGG[G>T]TGGCTGCGCGCCGAGGGGGCGCCAGCGGGGACGTGAGCTGGCGCCGAGACAGCCTCGGCC-3'
Protein context (NP_667338.3, residues 37-57): PRWRPLGAQP[Pro47Thr]RDPQVAPRSG

ClinVar aggregate classification (germline): Uncertain significance. Review status: criteria provided, multiple submitters, no conflicts (2 of 4 stars). 2 submissions from 2 submitters: Uncertain significance (2). Last evaluated 2025-11-03.

Conditions:
Inborn genetic diseases. Identifiers: MedGen C0950123, MeSH D030342.
Ellis-van Creveld syndrome (EVC). Also called: MESOECTODERMAL DYSPLASIA; EVC-Related Ellis-van Creveld Syndrome; EVC2-Related Ellis-van Creveld Syndrome; Chondroectodermal dysplasia. Identifiers: Orphanet 289, MedGen C0013903, MONDO:0009162, OMIM 225500.
Curry-Hall syndrome (WAD). Also called: WEYERS ACRODENTAL DYSOSTOSIS. Identifiers: Orphanet 952, MedGen C0457013, MONDO:0008673, OMIM 193530.

Submissions (2):

Ambry Genetics
Classification: Uncertain significance for Inborn genetic diseases. Last evaluated: 2025-11-03. Review status: criteria provided, single submitter. Criteria: Ambry Variant Classification Scheme 2023. Collection method: clinical testing. Allele origin: germline.

Labcorp Genetics (formerly Invitae), Labcorp
Classification: Uncertain significance for Curry-Hall syndrome; Ellis-van Creveld syndrome. Last evaluated: 2022-08-09. Review status: criteria provided, single submitter. Criteria: Invitae Variant Classification Sherloc (09022015). Collection method: clinical testing. Allele origin: germline.
Comment: This sequence change replaces proline, which is neutral and non-polar, with threonine, which is neutral and polar, at codon 47 of the EVC2 protein (p.Pro47Thr). The frequency data for this variant in the population databases is considered unreliable, as metrics indicate poor data quality at this position in the gnomAD database. This variant has not been reported in the literature in individuals affected with EVC2-related conditions. Algorithms developed to predict the effect of missense changes on protein structure and function are either unavailable or do not agree on the potential impact of this missense change (SIFT: "Deleterious"; PolyPhen-2: "Benign"; Align-GVGD: "Class C0"). In summary, the available evidence is currently insufficient to determine the role of this variant in disease. Therefore, it has been classified as a Variant of Uncertain Significance.